The following is an entry in ClinVar:

NM_003031.4(SIAH1):c.520G>A (p.Gly174Ser)

Genes: LONP2 (lon peptidase 2, peroxisomal; plus strand), SIAH1 (siah E3 ubiquitin protein ligase 1; minus strand). Cytogenetic location: 16q12.1.
Variant type: single nucleotide variant.
Coding change: c.520G>A on transcript NM_003031.4 (MANE Select); coding-DNA position 520, G replaced by A.
Protein change: p.Gly174Ser; replaces glycine 174 with serine.
Molecular consequence: missense variant. On other transcripts: 3 prime UTR variant (1).
Genome position (GRCh38, 1-based): chr16:48,361,909, C>T on the plus strand (G>A on the coding strand, the complement: SIAH1 is on the minus strand). VCF-style: chr16-48361909-C-T. GRCh37 (hg19) VCF-style: chr16-48395820-C-T.
Other names: c.613G>A, p.Gly205Ser (NM_001006610.2); c.*313C>T (NM_001348078.2); short protein forms G174S, G205S.
Identifiers: ClinVar variation 2431721 (VCV002431721.2), dbSNP rs2151043908, ClinGen allele CA396105644.
Genomic context (GRCh38, chr16:48,361,909, plus strand): 5'-CTAAGACTAACATGAAGTGAAAGCCAAAACAGGACTGCATCATCACCCAGTCAACAGCAC[C>T]AGGAAGATTAATGTCTGTAGCAAGAAAAACTATATCCTCTCCCTGTAGGGTTGTAATGGA-3'
Protein context (NP_003022.3, residues 164-184): VFLATDINLP[Gly174Ser]AVDWVMMQSC

ClinVar aggregate classification (germline): Uncertain significance (1 of 4 stars; one submission).

Conditions:
Buratti-Harel syndrome. Identifiers: MedGen C5543351, MONDO:0859144, OMIM 619314.

Submission:

Laboratorio de Genetica e Diagnostico Molecular, Hospital Israelita Albert Einstein
Classification: Uncertain significance for Buratti-Harel syndrome. Last evaluated: 2022-09-14. Review status: criteria provided, single submitter. Criteria: ACMG Guidelines, 2015. Collection method: clinical testing. Allele origin: germline. Affected: yes.
Comment: ACMG classification criteria: PM2 moderated, PP2 supporting